The following is an entry in ClinVar:

NM_000341.4(SLC3A1):c.1749_1750del (p.Glu585fs)

Genes: PREPL (prolyl endopeptidase like; minus strand), SLC3A1 (solute carrier family 3 member 1; plus strand). Cytogenetic location: 2p21.
Variant type: Deletion.
Coding change: c.1749_1750del on transcript NM_000341.4 (MANE Select); coding-DNA positions 1749 to 1750, 2 bases deleted (AA; older notation c.1749_1750delAA).
Protein change: p.Glu585fs; shifts the reading frame from glutamic acid 585.
Molecular consequence: frameshift variant. On other transcripts: 3 prime UTR variant (10).
Genome position (GRCh38, 1-based): chr2:44,320,330-44,320,331, AA deleted. VCF-style (leftmost placement, unchanged base first): chr2-44320329-CAA-C. GRCh37 (hg19) VCF-style: chr2-44547468-CAA-C.
Other names: c.1749_1750delAA (NM_000341.4); c.*1025_*1026del (NM_001042385.2, NM_001042386.2, NM_001171603.1 and 7 more transcripts); short protein forms E585fs.
Identifiers: ClinVar variation 953279 (VCV000953279.2), dbSNP rs1672820246, ClinGen allele CA1139656908.

ClinVar aggregate classification (germline): Pathogenic/Likely pathogenic. Review status: criteria provided, multiple submitters, no conflicts (2 of 4 stars). 2 submissions from 2 submitters: Pathogenic (1); Likely pathogenic (1). Last evaluated 2025-10-03.

Conditions:
Cystinuria (CSNU). Also called: Cystinuria, non-type I; CYSTINURIA, TYPE I; CYSTINURIA, TYPE II; CYSTINURIA, TYPE III. Identifiers: Orphanet 214, MedGen C0010691, MONDO:0009067, OMIM 220100, HP:0003131.

Submissions (2):

Rare Kidney Stone Consortium and the Mayo Clinic Hyperoxaluria Center, Mayo Clinic
Classification: Likely pathogenic for Cystinuria. Last evaluated: 2025-10-03. Review status: criteria provided, single submitter. Criteria: ACMG Guidelines, 2015. Collection method: research. Allele origin: germline. Affected: yes. Observed: 1 variant allele.
Comment: ACMG:PVS1, PM2, PP5

Labcorp Genetics (formerly Invitae), Labcorp
Classification: Pathogenic for Cystinuria. Last evaluated: 2019-08-09. Review status: criteria provided, single submitter. Criteria: Invitae Variant Classification Sherloc (09022015). Collection method: clinical testing. Allele origin: germline.
Comment: This sequence change results in a premature translational stop signal in the SLC3A1 gene (p.Glu585Alafs*24). While this is not anticipated to result in nonsense mediated decay, it is expected to disrupt the last 101 amino acids of the SLC3A1 protein. This variant is not present in population databases (ExAC no frequency). This variant has been observed in individuals affected with cystinuria (PMID: 28717662, Invitae). This variant disrupts the C-terminus of the SLC3A1 protein. Other variant(s) that disrupt this region (p.Arg567Glyfs*9, p.Gly600Glu, p.Gln659*) have been observed in individuals with SLC3A1-related conditions (PMID: 25964309, 28717662, 25964309, 11748844). This suggests that this may be a clinically significant region of the protein. For these reasons, this variant has been classified as Pathogenic.

Literature cited by the submitters: PubMed 40794449 (cited by Rare Kidney Stone Consortium and the Mayo Clinic Hyperoxaluria Center, Mayo Clinic); PubMed 28717662 (cited by Labcorp Genetics (formerly Invitae), Labcorp); PubMed 25964309 (cited by Labcorp Genetics (formerly Invitae), Labcorp); PubMed 11748844 (cited by Labcorp Genetics (formerly Invitae), Labcorp).